The following is an entry in ClinVar:

ClinVar aggregate classification (germline): Uncertain significance (1 of 4 stars; one submission).

Conditions:
SON-related intellectual disability, congenital malformations, and failure to thrive.

Submission:

Dasa
Classification: Uncertain significance for SON-related intellectual disability, congenital malformations, and failure to thrive. Last evaluated: 2025-06-23. Review status: criteria provided, single submitter. Criteria: DASA Assertion Criteria. Collection method: clinical testing. Allele origin: germline.
Comment: NM_138927.4(SON):c.200A>C (p.Glu67Ala) is a missense variant that results in the substitution of glutamic acid with alanine. This variant is absent from population databases. Computational prediction algorithms are consistent with a benign effect. The currently available literature and clinical evidence are not sufficient to establish a definitive association between this variant and the reported condition. Therefore, this variant is classified as a variant of uncertain significance.

NM_138927.4(SON):c.200A>C (p.Glu67Ala)

Gene: SON (SON DNA and RNA binding protein; plus strand). Cytogenetic location: 21q22.11.
Variant type: single nucleotide variant.
Coding change: c.200A>C on transcript NM_138927.4 (MANE Select); coding-DNA position 200, A replaced by C.
Protein change: p.Glu67Ala; replaces glutamic acid 67 with alanine.
Molecular consequence: missense variant. On other transcripts: non-coding transcript variant (1).
Genome position (GRCh38, 1-based): chr21:33,546,335, A>C. VCF-style: chr21-33546335-A-C. GRCh37 (hg19) VCF-style: chr21-34918641-A-C.
Other names: c.200A>C, p.Glu67Ala (NM_001291411.2, NM_001291412.3, NM_032195.3); short protein forms E67A.
Identifiers: ClinVar variation 4883759 (VCV004883759.2).
Genomic context (GRCh38, chr21:33,546,335, plus strand): 5'-GTGATGCAGCTGCCTCTGCCAGGAGTCTACCAAATGAAGAAATAGTGCAGAAGATAGAGG[A>C]AGTACTTTCTGGGGTCTTAGATACAGAACTACGATATAAGCCAGGTAAGTTGGAGATAAT-3'
Protein context (NP_620305.3, residues 57-77): PNEEIVQKIE[Glu67Ala]VLSGVLDTEL